The following is an entry in ClinVar:

NM_001098.3(ACO2):c.2153T>C (p.Ile718Thr)

Genes: ACO2 (aconitase 2; plus strand), POLR3H (RNA polymerase III subunit H; minus strand). Cytogenetic location: 22q13.2.
Variant type: single nucleotide variant.
Coding change: c.2153T>C on transcript NM_001098.3 (MANE Select); coding-DNA position 2153, T replaced by C.
Protein change: p.Ile718Thr; replaces isoleucine 718 with threonine.
Molecular consequence: missense variant. On other transcripts: 3 prime UTR variant (5).
Genome position (GRCh38, 1-based): chr22:41,527,967, T>C. VCF-style: chr22-41527967-T-C. GRCh37 (hg19) VCF-style: chr22-41923971-T-C.
Other names: c.*1316A>G (NM_001018050.4, NM_001018052.4, NM_001282884.2 and 2 more transcripts); short protein forms I718T.
Identifiers: ClinVar variation 562211 (VCV000562211.9), dbSNP rs1569026431, ClinGen allele CA411729384.
Genomic context (GRCh38, chr22:41,527,967, plus strand): 5'-ACCTGAAGAAACAGGGCCTGCTGCCTCTGACCTTCGCTGACCCGGCTGACTACAACAAGA[T>C]TCACCCTGTGGACAAGCTGACCATTCAGGGCCTGAAGGACTTCACCCCTGGCAAGGTTAG-3'
Protein context (NP_001089.1, residues 708-728): TFADPADYNK[Ile718Thr]HPVDKLTIQG

ClinVar aggregate classification (germline): Conflicting classifications of pathogenicity. Review status: criteria provided, conflicting classifications (1 of 4 stars). 2 submissions from 2 submitters: Pathogenic (1); Uncertain significance (1). Last evaluated 2022-09-08.

Conditions:
Infantile cerebellar-retinal degeneration (ICRD). Identifiers: Orphanet 313850, MedGen C3281192, MONDO:0013802, OMIM 614559.

Submissions (2):

Labcorp Genetics (formerly Invitae), Labcorp
Classification: Pathogenic. Last evaluated: 2022-09-08. Review status: criteria provided, single submitter. Criteria: Invitae Variant Classification Sherloc (09022015). Collection method: clinical testing. Allele origin: germline.
Comment: This variant is not present in population databases (gnomAD no frequency). This sequence change replaces isoleucine, which is neutral and non-polar, with threonine, which is neutral and polar, at codon 718 of the ACO2 protein (p.Ile718Thr). This missense change has been observed in individual(s) with clinical features of autosomal recessive ACO2-related conditions (PMID: 32519519). In at least one individual the data is consistent with being in trans (on the opposite chromosome) from a pathogenic variant. It has also been observed to segregate with disease in related individuals. For these reasons, this variant has been classified as Pathogenic. Advanced modeling of protein sequence and biophysical properties (such as structural, functional, and spatial information, amino acid conservation, physicochemical variation, residue mobility, and thermodynamic stability) performed at Invitae indicates that this missense variant is expected to disrupt ACO2 protein function. ClinVar contains an entry for this variant (Variation ID: 562211).

Mayo Clinic Laboratories, Mayo Clinic
Classification: Uncertain significance for Infantile cerebellar-retinal degeneration. Last evaluated: 2018-07-11. Review status: criteria provided, single submitter. Criteria: ACMG Guidelines, 2015. Collection method: clinical testing. Allele origin: paternal.

Literature cited by the submitters: PubMed 32519519 (cited by Labcorp Genetics (formerly Invitae), Labcorp).